The following is an entry in ClinVar:

NM_001372044.2(SHANK3):c.2353A>G (p.Lys785Glu)

Gene: SHANK3 (SH3 and multiple ankyrin repeat domains 3; plus strand). Cytogenetic location: 22q13.33.
Variant type: single nucleotide variant.
Coding change: c.2353A>G on transcript NM_001372044.2 (MANE Select); coding-DNA position 2353, A replaced by G.
Protein change: p.Lys785Glu; replaces lysine 785 with glutamic acid.
Molecular consequence: missense variant.
Genome position (GRCh38, 1-based): chr22:50,711,632, A>G. VCF-style: chr22-50711632-A-G. GRCh37 (hg19) VCF-style: chr22-51150060-A-G.
Other names: c.2128A>G, p.Lys710Glu (NM_033517.1); short protein forms K710E, K785E.
Identifiers: ClinVar variation 2573830 (VCV002573830.1), dbSNP rs2083206976, ClinGen allele CA515257570.

ClinVar aggregate classification (germline): Uncertain significance (1 of 4 stars; one submission).

Allele frequency attached by ClinVar (database versions not stated): TOPMed 0.00001.

Submission:

GeneDx
Classification: Uncertain significance. Last evaluated: 2023-06-20. Review status: criteria provided, single submitter. Criteria: GeneDx Variant Classification Process June 2021. Collection method: clinical testing. Allele origin: germline. Affected: yes.
Comment: Not observed at significant frequency in large population cohorts (gnomAD); In silico analysis supports that this missense variant has a deleterious effect on protein structure/function; Has not been previously published as pathogenic or benign to our knowledge